The following is an entry in ClinVar:

ClinVar aggregate classification (germline): Uncertain significance (1 of 4 stars; one submission).

Conditions:
Hereditary spherocytosis type 1. Also called: Spherocytosis type 1; ANK1-Related Spherocytosis. Identifiers: Orphanet 822, MedGen C2674218, MONDO:0008447, OMIM 182900.

Submission:

3billion
Classification: Uncertain significance for Hereditary spherocytosis type 1. Last evaluated: 2023-06-19. Review status: criteria provided, single submitter. Criteria: ACMG Guidelines, 2015. Collection method: clinical testing. Allele origin: germline. Affected: yes.
Comment: The variant is not observed in the gnomAD v2.1.1 dataset. Predicted Consequence/Location: Protein truncation variants are a common disease-causing mechanism. In silico tool predictions suggest damaging effect of the variant on gene or gene product (REVEL: 0.80; 3Cnet: 0.15). Therefore, this variant is classified as VUS according to the recommendation of ACMG/AMP guideline.

NM_000037.4(ANK1):c.3026T>C (p.Leu1009Pro)

Gene: ANK1 (ankyrin 1; minus strand). Cytogenetic location: 8p11.21.
Variant type: single nucleotide variant.
Coding change: c.3026T>C on transcript NM_000037.4 (MANE Select); coding-DNA position 3026, T replaced by C.
Protein change: p.Leu1009Pro; replaces leucine 1009 with proline.
Molecular consequence: missense variant.
Genome position (GRCh38, 1-based): chr8:41,695,266, A>G on the plus strand (T>C on the coding strand, the complement: ANK1 is on the minus strand). VCF-style: chr8-41695266-A-G. GRCh37 (hg19) VCF-style: chr8-41552784-A-G.
Other names: c.3149T>C, p.Leu1050Pro (NM_001142446.2); c.3026T>C, p.Leu1009Pro (NM_020475.3, NM_020476.3, NM_020477.3); short protein forms L1009P, L1050P.
Identifiers: ClinVar variation 3775496 (VCV003775496.1).